The following is an entry in ClinVar:

ClinVar aggregate classification (germline): Uncertain significance (1 of 4 stars; one submission).

Submission:

Labcorp Genetics (formerly Invitae), Labcorp
Classification: Uncertain significance. Last evaluated: 2024-10-10. Review status: criteria provided, single submitter. Criteria: Invitae Variant Classification Sherloc (09022015). Collection method: clinical testing. Allele origin: germline.
Comment: This sequence change affects an acceptor splice site in intron 11 of the MICAL1 gene. It is expected to disrupt RNA splicing. Variants that disrupt the donor or acceptor splice site typically lead to a loss of protein function (PMID: 16199547), however the current clinical and genetic evidence is not sufficient to establish whether loss-of-function variants in MICAL1 cause disease. This variant is not present in population databases (gnomAD no frequency). This variant has not been reported in the literature in individuals affected with MICAL1-related conditions. Algorithms developed to predict the effect of sequence changes on RNA splicing suggest that this variant may disrupt the consensus splice site. In summary, the available evidence is currently insufficient to determine the role of this variant in disease. Therefore, it has been classified as a Variant of Uncertain Significance.

Literature cited by the submitters: PubMed 16199547.

NM_022765.4(MICAL1):c.1517-1G>A

Gene: MICAL1 (microtubule associated monooxygenase, calponin and LIM domain containing 1; minus strand). Cytogenetic location: 6q21.
Variant type: single nucleotide variant.
Coding change: c.1517-1G>A on transcript NM_022765.4 (MANE Select); the canonical splice acceptor site of the intron before coding-DNA position 1517, G replaced by A.
Molecular consequence: splice acceptor variant.
Genome position (GRCh38, 1-based): chr6:109,448,880, C>T on the plus strand (G>A on the coding strand, the complement: MICAL1 is on the minus strand). VCF-style: chr6-109448880-C-T. GRCh37 (hg19) VCF-style: chr6-109770083-C-T.
Other names: c.1574-1G>A (NM_001286613.2); c.1259-1G>A (NM_001159291.2).
Identifiers: ClinVar variation 3697845 (VCV003697845.2).